The following is an entry in ClinVar:

ClinVar aggregate classification (germline): Uncertain significance. Review status: criteria provided, multiple submitters, no conflicts (2 of 4 stars). 3 submissions from 3 submitters: Uncertain significance (3). Last evaluated 2026-08-07.

Conditions:
Hereditary cancer-predisposing syndrome. Also called: Neoplastic Syndromes, Hereditary; Tumor predisposition; Hereditary Cancer Syndrome; Hereditary neoplastic syndrome. Identifiers: Orphanet 140162, MedGen C0027672, MeSH D009386, MONDO:0015356.
Ataxia-telangiectasia syndrome (AT). Also called: Ataxia telangiectasia (A-T); ATAXIA-TELANGIECTASIA, COMPLEMENTATION GROUP A; ATAXIA-TELANGIECTASIA, FRESNO VARIANT; Ataxia-telangiectasia; Ataxia-telangiectasia, complementation group E; LOUIS-BAR SYNDROME. Identifiers: Orphanet 100, MedGen C0004135, MONDO:0008840, OMIM 208900.

Submissions (3):

Ambry Genetics
Classification: Uncertain significance for Hereditary cancer-predisposing syndrome. Last evaluated: 2026-08-07. Review status: criteria provided, single submitter. Criteria: Ambry Variant Classification Scheme 2023. Collection method: clinical testing. Allele origin: germline.
Comment: The p.S2165F variant (also known as c.6494C>T), located in coding exon 44 of the ATM gene, results from a C to T substitution at nucleotide position 6494. The serine at codon 2165 is replaced by phenylalanine, an amino acid with highly dissimilar properties. In an assay testing ATM function, this variant showed a functionally normal result (Lee KS et al. Cell, 2025 Sep;188:5081-5099.e27). This amino acid position is well conserved in available vertebrate species. In addition, this alteration is predicted to be deleterious by in silico analysis. Based on the available evidence, the clinical significance of this variant remains unclear.

Color Diagnostics, LLC DBA Color Health
Classification: Uncertain significance for Hereditary cancer-predisposing syndrome. Last evaluated: 2025-03-17. Review status: criteria provided, single submitter. Criteria: ACMG Guidelines, 2015. Collection method: clinical testing. Allele origin: germline.
Comment: This missense variant replaces serine with phenylalanine at codon 2165 of the ATM protein. Computational prediction suggests that this variant may have deleterious impact on protein structure and function. To our knowledge, functional studies have not been reported for this variant. This variant has not been reported in individuals affected with ATM-related disorders in the literature. This variant has not been identified in the general population by the Genome Aggregation Database (gnomAD). The available evidence is insufficient to determine the role of this variant in disease conclusively. Therefore, this variant is classified as a Variant of Uncertain Significance.

Labcorp Genetics (formerly Invitae), Labcorp
Classification: Uncertain significance for Ataxia-telangiectasia syndrome. Last evaluated: 2023-07-26. Review status: criteria provided, single submitter. Criteria: Invitae Variant Classification Sherloc (09022015). Collection method: clinical testing. Allele origin: germline.
Comment: In summary, the available evidence is currently insufficient to determine the role of this variant in disease. Therefore, it has been classified as a Variant of Uncertain Significance. An algorithm developed to predict the effect of missense changes on protein structure and function (PolyPhen-2) suggests that this variant is likely to be disruptive. ClinVar contains an entry for this variant (Variation ID: 1018360). This variant has not been reported in the literature in individuals affected with ATM-related conditions. This variant is not present in population databases (gnomAD no frequency). This sequence change replaces serine, which is neutral and polar, with phenylalanine, which is neutral and non-polar, at codon 2165 of the ATM protein (p.Ser2165Phe).

Literature cited by the submitters: PubMed 40580951 (cited by Ambry Genetics).

NM_000051.4(ATM):c.6494C>T (p.Ser2165Phe)

Genes: ATM (ATM serine/threonine kinase; plus strand), C11orf65 (chromosome 11 open reading frame 65; minus strand). Cytogenetic location: 11q22.3.
Variant type: single nucleotide variant.
Coding change: c.6494C>T on transcript NM_000051.4 (MANE Select); coding-DNA position 6494, C replaced by T.
Protein change: p.Ser2165Phe; replaces serine 2165 with phenylalanine.
Molecular consequence: missense variant. On other transcripts: intron variant (2).
Genome position (GRCh38, 1-based): chr11:108,321,342, C>T. VCF-style: chr11-108321342-C-T. GRCh37 (hg19) VCF-style: chr11-108192069-C-T.
Other names: c.6494C>T, p.Ser2165Phe (NM_001351834.2); c.641-12271G>A (NM_001330368.2); c.*39-12271G>A (NM_001351110.2); short protein forms S2165F.
Identifiers: ClinVar variation 1018360 (VCV001018360.10), dbSNP rs2085195776, ClinGen allele CA382554039.
Genomic context (GRCh38, chr11:108,321,342, plus strand): 5'-TTTTCTTTTTTGCTACTAGAGTAAAAGAAGTGGAAGAGATGTGTAAGCGCAGCCTTGAGT[C>T]TGTGTATTCGCTCTATCCCACACTTAGCAGGTTGCAGGCCATTGGAGAGCTGGAAAGCAT-3'
Protein context (NP_000042.3, residues 2155-2175): VEEMCKRSLE[Ser2165Phe]VYSLYPTLSR